The following is an entry in ClinVar:

NM_177924.5(ASAH1):c.1126G>A (p.Val376Ile)

Gene: ASAH1 (N-acylsphingosine amidohydrolase 1; minus strand). Cytogenetic location: 8p22.
Variant type: single nucleotide variant.
Coding change: c.1126G>A on transcript NM_177924.5 (MANE Select); coding-DNA position 1126, G replaced by A.
Protein change: p.Val376Ile; replaces valine 376 with isoleucine.
Molecular consequence: missense variant.
Genome position (GRCh38, 1-based): chr8:18,057,596, C>T on the plus strand (G>A on the coding strand, the complement: ASAH1 is on the minus strand). VCF-style: chr8-18057596-C-T. GRCh37 (hg19) VCF-style: chr8-17915105-C-T.
Other names: c.1108G>A, p.Val370Ile (NM_001127505.3); c.931G>A, p.Val311Ile (NM_001363743.2); c.1174G>A, p.Val392Ile (NM_004315.6); short protein forms V392I, V376I, V370I, V311I.
Identifiers: ClinVar variation 1371594 (VCV001371594.6), dbSNP rs2117011314, ClinGen allele CA370442692.

ClinVar aggregate classification (germline): Uncertain significance (1 of 4 stars; one submission).

Submission:

Labcorp Genetics (formerly Invitae), Labcorp
Classification: Uncertain significance. Last evaluated: 2025-04-22. Review status: criteria provided, single submitter. Criteria: Invitae Variant Classification Sherloc (09022015). Collection method: clinical testing. Allele origin: germline.
Comment: This sequence change replaces valine, which is neutral and non-polar, with isoleucine, which is neutral and non-polar, at codon 376 of the ASAH1 protein (p.Val376Ile). This variant is not present in population databases (gnomAD no frequency). This variant has not been reported in the literature in individuals affected with ASAH1-related conditions. ClinVar contains an entry for this variant (Variation ID: 1371594). Invitae Evidence Modeling of protein sequence and biophysical properties (such as structural, functional, and spatial information, amino acid conservation, physicochemical variation, residue mobility, and thermodynamic stability) indicates that this missense variant is not expected to disrupt ASAH1 protein function with a negative predictive value of 80%. In summary, the available evidence is currently insufficient to determine the role of this variant in disease. Therefore, it has been classified as a Variant of Uncertain Significance.